The following is an entry in ClinVar:

NM_004839.4(HOMER2):c.24C>A (p.Thr8=)

Gene: HOMER2 (homer scaffold protein 2; minus strand). Cytogenetic location: 15q25.2.
Variant type: single nucleotide variant.
Coding change: c.24C>A on transcript NM_004839.4 (MANE Select); coding-DNA position 24, C replaced by A.
Protein change: p.Thr8=; no amino-acid change (threonine 8 retained).
Molecular consequence: synonymous variant.
Genome position (GRCh38, 1-based): chr15:82,892,823, G>T on the plus strand (C>A on the coding strand, the complement: HOMER2 is on the minus strand). VCF-style: chr15-82892823-G-T. GRCh37 (hg19) VCF-style: chr15-83561575-G-T.
Other names: c.24C>A, p.Thr8= (NM_199330.3).
Identifiers: ClinVar variation 4874330 (VCV004874330.2).

ClinVar aggregate classification (germline): Likely benign (1 of 4 stars; one submission).

gnomAD v4.1: 1 of 1,596,394 alleles (0.000063%); highest among the groups gnomAD compares: African/African-American, 0.0013%; no homozygotes.

Submission:

CeGaT Center for Human Genetics Tuebingen
Classification: Likely benign. Last evaluated: 2026-03-01. Review status: criteria provided, single submitter. Criteria: CeGaT Center For Human Genetics Tuebingen Variant Classification Criteria Version 2. Collection method: clinical testing. Allele origin: germline. Affected: yes. Observed: 1 variant allele.
Comment: HOMER2: BP4, BP7